The following is an entry in ClinVar:

ClinVar aggregate classification (germline): Uncertain significance (1 of 4 stars; one submission).

Conditions:
Peroxisome biogenesis disorder 2B (PBD2B). Identifiers: Orphanet 44, MedGen C3550234, MONDO:0008736, OMIM 202370.

Submission:

Labcorp Genetics (formerly Invitae), Labcorp
Classification: Uncertain significance for Peroxisome biogenesis disorder 2B. Last evaluated: 2022-07-05. Review status: criteria provided, single submitter. Criteria: Invitae Variant Classification Sherloc (09022015). Collection method: clinical testing. Allele origin: germline.
Comment: This sequence change replaces proline, which is neutral and non-polar, with leucine, which is neutral and non-polar, at codon 190 of the PEX5 protein (p.Pro190Leu). This variant is not present in population databases (gnomAD no frequency). This variant has not been reported in the literature in individuals affected with PEX5-related conditions. ClinVar contains an entry for this variant (Variation ID: 1500261). Algorithms developed to predict the effect of missense changes on protein structure and function are either unavailable or do not agree on the potential impact of this missense change (SIFT: "Deleterious"; PolyPhen-2: "Benign"; Align-GVGD: "Class C0"). In summary, the available evidence is currently insufficient to determine the role of this variant in disease. Therefore, it has been classified as a Variant of Uncertain Significance.

NM_001351132.2(PEX5):c.569C>T (p.Pro190Leu)

Gene: PEX5 (peroxisomal biogenesis factor 5; plus strand). Cytogenetic location: 12p13.31.
Variant type: single nucleotide variant.
Coding change: c.569C>T on transcript NM_001351132.2 (MANE Select); coding-DNA position 569, C replaced by T.
Protein change: p.Pro190Leu; replaces proline 190 with leucine.
Molecular consequence: missense variant.
Genome position (GRCh38, 1-based): chr12:7,201,768, C>T. VCF-style: chr12-7201768-C-T. GRCh37 (hg19) VCF-style: chr12-7354364-C-T.
Other names: c.569C>T, p.Pro190Leu (NM_000319.5, NM_001131024.2, NM_001131025.2 and 19 more transcripts); c.614C>T, p.Pro205Leu (NM_001131023.2, NM_001351135.3, NM_001351138.2); short protein forms P190L, P205L.
Identifiers: ClinVar variation 1500261 (VCV001500261.5), dbSNP rs2136143100, ClinGen allele CA383721289.
Genomic context (GRCh38, chr12:7,201,768, plus strand): 5'-TGATGGCAGACTAATGTGTAAAATTAGTTCTTACCCGTTCCAGGTATGATGAATATCATC[C>T]TGAGGAGGATCTGCAGCACACGGCCAGTGACTTTGTGGCCAAAGTGGATGACCCCAAATT-3'
Protein context (NP_001338061.1, residues 180-200): ATDRWYDEYH[Pro190Leu]EEDLQHTASD